The following is an entry in ClinVar:

NM_006642.5(SDCCAG8):c.1697A>G (p.Glu566Gly)

Gene: SDCCAG8 (SHH signaling and ciliogenesis regulator SDCCAG8; plus strand). Cytogenetic location: 1q43.
Variant type: single nucleotide variant.
Coding change: c.1697A>G on transcript NM_006642.5 (MANE Select); coding-DNA position 1697, A replaced by G.
Protein change: p.Glu566Gly; replaces glutamic acid 566 with glycine.
Molecular consequence: missense variant.
Genome position (GRCh38, 1-based): chr1:243,415,782, A>G. VCF-style: chr1-243415782-A-G. GRCh37 (hg19) VCF-style: chr1-243579084-A-G.
Other names: c.794A>G, p.Glu265Gly (NM_001350246.2, NM_001350247.2, NM_001350251.2); c.1793A>G, p.Glu598Gly (NM_001350248.2); c.1403A>G, p.Glu468Gly (NM_001350249.2); short protein forms E265G, E468G, E566G, E598G.
Identifiers: ClinVar variation 2631678 (VCV002631678.1), dbSNP rs2528443643, ClinGen allele CA345667253.

ClinVar aggregate classification (germline): Uncertain significance (1 of 4 stars; one submission).

Conditions:
SDCCAG8-related disorder. Also called: SDCCAG8-related condition; SDCCAG8-Related Disorders.

Submission:

PreventionGenetics, part of Exact Sciences
Classification: Uncertain significance for SDCCAG8-related condition. Last evaluated: 2023-08-17. Review status: criteria provided, single submitter. Criteria: ACMG Guidelines, 2015. Collection method: clinical testing. Allele origin: germline.
Comment: The SDCCAG8 c.1697A>G variant is predicted to result in the amino acid substitution p.Glu566Gly. To our knowledge, this variant has not been reported in the literature or in a large population database, indicating this variant is rare. At this time, the clinical significance of this variant is uncertain due to the absence of conclusive functional and genetic evidence.